The following is an entry in ClinVar:

ClinVar aggregate classification (germline): Uncertain significance. Review status: criteria provided, multiple submitters, no conflicts (2 of 4 stars). 2 submissions from 2 submitters: Uncertain significance (2). Last evaluated 2025-09-16.

Conditions:
Early-infantile DEE. Also called: Early infantile epileptic encephalopathy; Early infantile epileptic encephalopathy with suppression bursts; Ohtahara syndrome. Identifiers: Orphanet 1934, MedGen C0393706, MONDO:0800491.

Allele frequency attached by ClinVar (database versions not stated): gnomAD exomes below 0.00001.
gnomAD v4.1: 1 of 1,614,114 alleles (0.000062%); highest among the groups gnomAD compares: Non-Finnish European, 0.000085%; no homozygotes.

Submissions (2):

Labcorp Genetics (formerly Invitae), Labcorp
Classification: Uncertain significance for Early-infantile DEE. Last evaluated: 2025-09-16. Review status: criteria provided, single submitter. Criteria: Invitae Variant Classification Sherloc (09022015). Collection method: clinical testing. Allele origin: germline.
Comment: This sequence change replaces arginine, which is basic and polar, with glutamine, which is neutral and polar, at codon 1610 of the SPTAN1 protein (p.Arg1610Gln). This variant is not present in population databases (gnomAD no frequency). This variant has not been reported in the literature in individuals affected with SPTAN1-related conditions. ClinVar contains an entry for this variant (Variation ID: 586679). Invitae Evidence Modeling of protein sequence and biophysical properties (such as structural, functional, and spatial information, amino acid conservation, physicochemical variation, residue mobility, and thermodynamic stability) has been performed for this missense variant. However, the output from this modeling did not meet the statistical confidence thresholds required to predict the impact of this variant on SPTAN1 protein function. In summary, the available evidence is currently insufficient to determine the role of this variant in disease. Therefore, it has been classified as a Variant of Uncertain Significance.

Athena Diagnostics
Classification: Uncertain significance. Last evaluated: 2018-03-30. Review status: criteria provided, single submitter. Criteria: Athena Diagnostics Criteria. Collection method: clinical testing. Allele origin: germline.

NM_001130438.3(SPTAN1):c.4829G>A (p.Arg1610Gln)

Gene: SPTAN1 (spectrin alpha, non-erythrocytic 1; plus strand). Cytogenetic location: 9q34.11.
Variant type: single nucleotide variant.
Coding change: c.4829G>A on transcript NM_001130438.3 (MANE Select); coding-DNA position 4829, G replaced by A.
Protein change: p.Arg1610Gln; replaces arginine 1610 with glutamine.
Molecular consequence: missense variant.
Genome position (GRCh38, 1-based): chr9:128,611,769, G>A. VCF-style: chr9-128611769-G-A. GRCh37 (hg19) VCF-style: chr9-131374048-G-A.
Other names: c.4754G>A, p.Arg1585Gln (NM_001195532.2); c.4829G>A, p.Arg1610Gln (NM_001363759.2); c.4769G>A, p.Arg1590Gln (NM_001363765.2); c.4814G>A, p.Arg1605Gln (NM_003127.4); short protein forms R1610Q, R1585Q, R1590Q, R1605Q.
Identifiers: ClinVar variation 586679 (VCV000586679.4), dbSNP rs1564286745, ClinGen allele CA375070351.